The following is an entry in ClinVar:

NM_022455.5(NSD1):c.188A>G (p.Gln63Arg)

Gene: NSD1 (nuclear receptor binding SET domain protein 1; plus strand). Cytogenetic location: 5q35.3.
Variant type: single nucleotide variant.
Coding change: c.188A>G on transcript NM_022455.5 (MANE Select); coding-DNA position 188, A replaced by G.
Protein change: p.Gln63Arg; replaces glutamine 63 with arginine.
Molecular consequence: missense variant. On other transcripts: intron variant (7).
Genome position (GRCh38, 1-based): chr5:177,135,291, A>G. VCF-style: chr5-177135291-A-G. GRCh37 (hg19) VCF-style: chr5-176562292-A-G.
Other names: c.188A>G, p.Gln63Arg (NM_001409301.1, NM_001409302.1, NM_001409303.1 and 1 more transcripts); c.-37+91A>G (NM_001409305.1, NM_001409306.1, NM_001409308.1 and 4 more transcripts); short protein forms Q63R.
Identifiers: ClinVar variation 3708468 (VCV003708468.2).
Genomic context (GRCh38, chr5:177,135,291, plus strand): 5'-TTAATGGGTGTACTATGCAGTTATCGACTGTCAGTGGAACATCCCAAAATGCTTATGGAC[A>G]AGATTCTCCATCTTGTTACATTCCACTGCGGAGACTACAGGATTTGGCCTCCATGATCAA-3'
Protein context (NP_071900.2, residues 53-73): VSGTSQNAYG[Gln63Arg]DSPSCYIPLR

ClinVar aggregate classification (germline): Uncertain significance (1 of 4 stars; one submission).

gnomAD v4.1: 1 of 1,613,608 alleles (0.000062%); highest among the groups gnomAD compares: Non-Finnish European, 0.000085%; no homozygotes.

Submission:

Labcorp Genetics (formerly Invitae), Labcorp
Classification: Uncertain significance. Last evaluated: 2024-07-24. Review status: criteria provided, single submitter. Criteria: Invitae Variant Classification Sherloc (09022015). Collection method: clinical testing. Allele origin: germline.
Comment: This sequence change replaces glutamine, which is neutral and polar, with arginine, which is basic and polar, at codon 63 of the NSD1 protein (p.Gln63Arg). This variant is not present in population databases (gnomAD no frequency). This variant has not been reported in the literature in individuals affected with NSD1-related conditions. Advanced modeling of protein sequence and biophysical properties (such as structural, functional, and spatial information, amino acid conservation, physicochemical variation, residue mobility, and thermodynamic stability) performed at Invitae indicates that this missense variant is not expected to disrupt NSD1 protein function with a negative predictive value of 95%. In summary, the available evidence is currently insufficient to determine the role of this variant in disease. Therefore, it has been classified as a Variant of Uncertain Significance.